The following is an entry in ClinVar:

NM_014363.6(SACS):c.12160C>T (p.Gln4054Ter)

Gene: SACS (sacsin molecular chaperone; minus strand). Cytogenetic location: 13q12.12.
Variant type: single nucleotide variant.
Coding change: c.12160C>T on transcript NM_014363.6 (MANE Select); coding-DNA position 12160, C replaced by T.
Protein change: p.Gln4054Ter; replaces glutamine 4054 with a stop codon.
Molecular consequence: nonsense.
Genome position (GRCh38, 1-based): chr13:23,331,716, G>A on the plus strand (C>T on the coding strand, the complement: SACS is on the minus strand). VCF-style: chr13-23331716-G-A. GRCh37 (hg19) VCF-style: chr13-23905855-G-A.
Other names: c.11719C>T, p.Gln3907Ter (NM_001278055.2); short protein forms Q4054*, Q3907*.
Identifiers: ClinVar variation 38458 (VCV000038458.70), dbSNP rs281865120, ClinGen allele CA343113.

ClinVar aggregate classification (germline): Pathogenic/Likely pathogenic. Review status: criteria provided, multiple submitters, no conflicts (2 of 4 stars). 13 submissions from 13 submitters: Pathogenic (7); Likely pathogenic (1). 5 of the submissions do not count toward it. Last evaluated 2025-12-15.

Conditions:
Charlevoix-Saguenay spastic ataxia (SACS). Also called: Spastic ataxia of Charlevoix-Saguenay; AUTOSOMAL RECESSIVE SPASTIC ATAXIA OF CHARLEVOIX-SAGUENAY; SPASTIC ATAXIA 6, AUTOSOMAL RECESSIVE. Identifiers: Orphanet 98, MedGen C1849140, MONDO:0010041, OMIM 270550.
Spastic paraplegia. Identifiers: MedGen C0037772, HP:0001258.

Allele frequency attached by ClinVar (database versions not stated): gnomAD 0.00001; gnomAD exomes 0.00001 and 0.00002; ExAC 0.00002; TOPMed 0.00002.

Submissions (13):

Labcorp Genetics (formerly Invitae), Labcorp
Classification: Pathogenic for Spastic paraplegia. Last evaluated: 2025-12-15. Review status: criteria provided, single submitter. Criteria: Invitae Variant Classification Sherloc (09022015). Collection method: clinical testing. Allele origin: germline.
Comment: This sequence change creates a premature translational stop signal (p.Gln4054*) in the SACS gene. While this is not anticipated to result in nonsense mediated decay, it is expected to disrupt the last 526 amino acid(s) of the SACS protein. This variant is present in population databases (rs281865120, gnomAD 0.004%). This premature translational stop signal has been observed in individuals with hereditary spastic paraplegia (PMID: 18465152, 27288452). ClinVar contains an entry for this variant (Variation ID: 38458). This variant disrupts a region of the SACS protein in which other variant(s) (p.Arg4325*, p.Glu4309*, p.Phe4352Leufs*11) have been determined to be pathogenic (PMID: 16944349, 23497566, 26288984). This suggests that this is a clinically significant region of the protein, and that variants that disrupt it are likely to be disease-causing. For these reasons, this variant has been classified as Pathogenic.

Natera, Inc.
Classification: Pathogenic for Charlevoix-Saguenay type spastic ataxia. Last evaluated: 2025-06-06. Review status: criteria provided, single submitter. Criteria: Natera Variant Classification Schema (03/2026). Collection method: clinical testing. Allele origin: germline.
Comment: The c.12160C>T variant in SACS is a nonsense variant predicted to introduce a stop codon at amino acid 4054. This variant is expected to result in nonsense mediated decay, truncation, or a dysfunctional protein product. This variant is rare in the general population with a frequency below the threshold expected for the associated phenotype(s). This variant has been observed in one or more individuals affected with the associated recessive disease, as either homozygous or compound heterozygous with a second variant (PMID: 18465152). Given the available evidence, this variant is classified as Pathogenic.

Baylor Genetics
Classification: Pathogenic for Charlevoix-Saguenay spastic ataxia. Last evaluated: 2023-05-31. Review status: criteria provided, single submitter. Criteria: ACMG Guidelines, 2015. Collection method: clinical testing. Allele origin: unknown.

GeneDx
Classification: Pathogenic. Last evaluated: 2022-11-06. Review status: criteria provided, single submitter. Criteria: GeneDx Variant Classification Process June 2021. Collection method: clinical testing. Allele origin: germline. Affected: yes.
Comment: Nonsense variant predicted to result in protein truncation, as the last 526 amino acids are lost, and other loss-of-function variants have been reported downstream in HGMD; Not observed at significant frequency in large population cohorts (gnomAD); This variant is associated with the following publications: (PMID: 23280630, 27288452, 18465152, 31589614)

Women's Health and Genetics/Laboratory Corporation of America, LabCorp
Classification: Pathogenic for Charlevoix-Saguenay spastic ataxia. Last evaluated: 2022-04-18. Review status: criteria provided, single submitter. Criteria: LabCorp Variant Classification Summary - May 2015. Collection method: clinical testing. Allele origin: germline.
Comment: Variant summary: SACS c.12160C>T (p.Gln4054X) results in a premature termination codon, predicted to cause a truncation of the encoded protein or absence of the protein due to nonsense mediated decay, which are commonly known mechanisms for disease. Truncations downstream of this position have been reported in HGMD in association with Spastic ataxia, Charlevoix-Saguenay. The variant allele was found at a frequency of 1.6e-05 in 250398 control chromosomes. c.12160C>T has been reported in the literature in multiple individuals affected with Autosomal Recessive Spastic Ataxia Of Charlevoix-Saguenay (eg. Vermeer_2008, Vermeer_2009). These data indicate that the variant is very likely to be associated with disease. Five clinical diagnostic laboratories have submitted clinical-significance assessments for this variant to ClinVar after 2014 without evidence for independent evaluation. All laboratories classified the variant as pathogenic/likely pathogenic. Based on the evidence outlined above, the variant was classified as pathogenic.

PROSPAX: an integrated multimodal progression  chart in spastic ataxias, Center for Neurology; Hertie-Institute for Clinical Brain Research
Classification: Pathogenic for Charlevoix-Saguenay spastic ataxia. Last evaluated: 2022-01-01. Review status: criteria provided, single submitter. Criteria: ACMG Guidelines, 2015. Collection method: research. Allele origin: germline. Affected: yes. Observed: 4 variant alleles, 2 compound heterozygotes, 2 homozygotes.

Genome-Nilou Lab
Classification: Pathogenic for Charlevoix-Saguenay spastic ataxia. Last evaluated: 2021-09-05. Review status: criteria provided, single submitter. Criteria: ACMG Guidelines, 2015. Collection method: clinical testing. Allele origin: germline. Affected: no.

CeGaT Center for Human Genetics Tuebingen
Classification: Likely pathogenic. Last evaluated: 2016-09-01. Review status: criteria provided, single submitter. Criteria: CeGaT Center For Human Genetics Tuebingen Variant Classification Criteria Version 2. Collection method: clinical testing. Allele origin: germline. Affected: yes. Observed: 1 variant allele.

Counsyl
Classification: Pathogenic for Charlevoix-Saguenay spastic ataxia. Last evaluated: 2016-04-05. Review status: no assertion criteria provided. Collection method: clinical testing. Allele origin: unknown. Not counted in ClinVar's aggregate classification.

Diagnostic Laboratory, Department of Genetics, University Medical Center Groningen
Classification: Pathogenic. Review status: no assertion criteria provided. Collection method: clinical testing. Allele origin: germline. Affected: yes. Study: VKGL Data-share Consensus. Not counted in ClinVar's aggregate classification.

GeneReviews
No classification provided. Condition: Charlevoix-Saguenay spastic ataxia. Review status: no classification provided. Collection method: literature only. Allele origin: germline. Not counted in ClinVar's aggregate classification.

Genome Diagnostics Laboratory, Amsterdam University Medical Center
Classification: Pathogenic. Review status: no assertion criteria provided. Collection method: clinical testing. Allele origin: germline. Affected: yes. Study: VKGL Data-share Consensus. Not counted in ClinVar's aggregate classification.

Joint Genome Diagnostic Labs from Nijmegen and Maastricht, Radboudumc and MUMC+
Classification: Pathogenic. Review status: no assertion criteria provided. Collection method: clinical testing. Allele origin: germline. Affected: yes. Study: VKGL Data-share Consensus. Not counted in ClinVar's aggregate classification.

Literature cited by the submitters: PubMed 18465152 (cited by 5 submitters); PubMed 27288452 (cited by Labcorp Genetics (formerly Invitae), Labcorp); PubMed 16944349 (cited by Labcorp Genetics (formerly Invitae), Labcorp); PubMed 23497566 (cited by Labcorp Genetics (formerly Invitae), Labcorp); PubMed 26288984 (cited by Labcorp Genetics (formerly Invitae), Labcorp); PubMed 20301432 (cited by GeneReviews).